The following is an entry in ClinVar:

NM_000237.3(LPL):c.1115A>C (p.Glu372Ala)

Gene: LPL (lipoprotein lipase; plus strand). Cytogenetic location: 8p21.3.
Variant type: single nucleotide variant.
Coding change: c.1115A>C on transcript NM_000237.3 (MANE Select); coding-DNA position 1115, A replaced by C.
Protein change: p.Glu372Ala; replaces glutamic acid 372 with alanine.
Molecular consequence: missense variant.
Genome position (GRCh38, 1-based): chr8:19,959,356, A>C. VCF-style: chr8-19959356-A-C. GRCh37 (hg19) VCF-style: chr8-19816867-A-C.
Other names: short protein forms E372A.
Identifiers: ClinVar variation 2587897 (VCV002587897.2), dbSNP rs2540109656, ClinGen allele CA370638456.

ClinVar aggregate classification (germline): Uncertain significance (1 of 4 stars; one submission).

Conditions:
Cardiovascular phenotype. Identifiers: MedGen CN230736.

Submission:

Ambry Genetics
Classification: Uncertain significance for Cardiovascular phenotype. Last evaluated: 2023-07-29. Review status: criteria provided, single submitter. Criteria: Ambry Variant Classification Scheme 2023. Collection method: clinical testing. Allele origin: germline.
Comment: The p.E372A variant (also known as c.1115A>C), located in coding exon 7 of the LPL gene, results from an A to C substitution at nucleotide position 1115. The glutamic acid at codon 372 is replaced by alanine, an amino acid with dissimilar properties. This amino acid position is conserved. In addition, the in silico prediction for this alteration is inconclusive. Since supporting evidence is limited at this time, the clinical significance of this alteration remains unclear.